The following is an entry in ClinVar:

NM_000138.5(FBN1):c.1939C>G (p.Leu647Val)

Gene: FBN1 (fibrillin 1; minus strand). Cytogenetic location: 15q21.1.
Variant type: single nucleotide variant.
Coding change: c.1939C>G on transcript NM_000138.5 (MANE Select); coding-DNA position 1939, C replaced by G.
Protein change: p.Leu647Val; replaces leucine 647 with valine.
Molecular consequence: missense variant.
Genome position (GRCh38, 1-based): chr15:48,505,046, G>C on the plus strand (C>G on the coding strand, the complement: FBN1 is on the minus strand). VCF-style: chr15-48505046-G-C. GRCh37 (hg19) VCF-style: chr15-48797243-G-C.
Other names: c.1939C>G, p.Leu647Val (NM_001406716.1); short protein forms L647V.
Identifiers: ClinVar variation 2922316 (VCV002922316.4), dbSNP rs2505594710, ClinGen allele CA392338998.
Genomic context (GRCh38, chr15:48,505,046, plus strand): 5'-TGAACCTCTCTCATAAGGTTAGCCATGATGTTTTCTTACCAACACACACACGGCCATCCA[G>C]ACCCACAGCCAGTCCAGGGAAGCATTCACATCTGTAGGAGCCATCAGTGTTGACGCAACG-3'
Protein context (NP_000129.3, residues 637-657): CECFPGLAVG[Leu647Val]DGRVCVDTHM

ClinVar aggregate classification (germline): Uncertain significance. Review status: criteria provided, multiple submitters, no conflicts (2 of 4 stars). 2 submissions from 2 submitters: Uncertain significance (2). Last evaluated 2023-11-20.

Conditions:
Marfan syndrome (MFS). Also called: MARFAN SYNDROME, TYPE I; Marfan syndrome type 1; Marfan's syndrome; Marfan syndrome, classic; FBN1-Related Marfan Syndrome. Identifiers: Orphanet 284963, Orphanet 558, MedGen C0024796, MONDO:0007947, OMIM 154700.
Familial thoracic aortic aneurysm and aortic dissection (TAAD). Also called: Thoracic aortic aneurysms and dissections. Identifiers: Orphanet 91387, MedGen C4707243, MONDO:0019625.

Allele frequency attached by ClinVar (database versions not stated): gnomAD exomes below 0.00001.
gnomAD v4.1: 1 of 1,614,136 alleles (0.000062%); highest among the groups gnomAD compares: Non-Finnish European, 0.000085%; no homozygotes.

Submissions (2):

All of Us Research Program, National Institutes of Health
Classification: Uncertain significance for Marfan syndrome. Last evaluated: 2023-11-20. Review status: criteria provided, single submitter. Criteria: ACMG Guidelines, 2015. Collection method: clinical testing. Allele origin: germline. Inheritance: Autosomal dominant inheritance. Observed: 1 variant allele, 1 heterozygote.
Comment: This missense variant replaces leucine with valine at codon 647 of the FBN1 protein. Computational prediction suggests that this variant may not impact protein structure and function (internally defined REVEL score threshold <= 0.5, PMID: 27666373). To our knowledge, functional studies have not been reported for this variant. This variant has not been reported in individuals affected with FBN1-related disorders in the literature. This variant has not been identified in the general population by the Genome Aggregation Database (gnomAD). The available evidence is insufficient to determine the role of this variant in disease conclusively. Therefore, this variant is classified as a Variant of Uncertain Significance.

This study involves interpretation of variants in research participants for the purpose of population health screening. Participant phenotype was not available at the time of variant classification. Additional details can be found in publication PMID: 35346344, PMCID: PMC8962531

Labcorp Genetics (formerly Invitae), Labcorp
Classification: Uncertain significance for Marfan syndrome; Familial thoracic aortic aneurysm and aortic dissection. Last evaluated: 2023-04-26. Review status: criteria provided, single submitter. Criteria: Invitae Variant Classification Sherloc (09022015). Collection method: clinical testing. Allele origin: germline.
Comment: In summary, the available evidence is currently insufficient to determine the role of this variant in disease. Therefore, it has been classified as a Variant of Uncertain Significance. Advanced modeling of protein sequence and biophysical properties (such as structural, functional, and spatial information, amino acid conservation, physicochemical variation, residue mobility, and thermodynamic stability) performed at Invitae indicates that this missense variant is not expected to disrupt FBN1 protein function. This variant has not been reported in the literature in individuals affected with FBN1-related conditions. This variant is not present in population databases (gnomAD no frequency). This sequence change replaces leucine, which is neutral and non-polar, with valine, which is neutral and non-polar, at codon 647 of the FBN1 protein (p.Leu647Val).